The following is an entry in ClinVar:

ClinVar aggregate classification (germline): Likely pathogenic. Review status: criteria provided, multiple submitters, no conflicts (2 of 4 stars). 4 submissions from 4 submitters: Likely pathogenic (2). 2 of the submissions do not count toward it. Last evaluated 2023-02-27.

Conditions:
Dilated cardiomyopathy 1G (CMD1G). Identifiers: Orphanet 154, MedGen C1858763, MONDO:0011400, OMIM 604145.
Autosomal recessive limb-girdle muscular dystrophy type 2J (LGMDR10). Also called: Limb-girdle muscular dystrophy, type 2J; MUSCULAR DYSTROPHY, LIMB-GIRDLE, AUTOSOMAL RECESSIVE 10. Identifiers: Orphanet 140922, MedGen C1837342, MONDO:0012127, OMIM 608807.
TTN-related disorder. Also called: TTN-related disorders; TTN-related condition; TTN-related disease.

Submissions (4):

Labcorp Genetics (formerly Invitae), Labcorp
Classification: Likely pathogenic for Dilated cardiomyopathy 1G; Autosomal recessive limb-girdle muscular dystrophy type 2J. Last evaluated: 2023-02-27. Review status: criteria provided, single submitter. Criteria: Invitae Variant Classification Sherloc (09022015). Collection method: clinical testing. Allele origin: germline.
Comment: ClinVar contains an entry for this variant (Variation ID: 1174613). In summary, the currently available evidence indicates that the variant is pathogenic, but additional data are needed to prove that conclusively. Therefore, this variant has been classified as Likely Pathogenic. This variant is located in the A band of TTN (PMID: 25589632). Truncating variants in this region are significantly overrepresented in patients affected with dilated cardiomyopathy (PMID: 25589632). Truncating variants in this region have also been reported in individuals affected with autosomal recessive centronuclear myopathy (PMID: 23975875). This variant has not been reported in the literature in individuals affected with TTN-related conditions. This variant is not present in population databases (gnomAD no frequency). This sequence change creates a premature translational stop signal (p.Ile30857Tyrfs*2) in the TTN gene. While this is not anticipated to result in nonsense mediated decay, it is expected to create a truncated TTN protein.

PreventionGenetics, part of Exact Sciences
Classification: Likely pathogenic for TTN-related condition. Last evaluated: 2022-12-19. Review status: criteria provided, single submitter. Criteria: ACMG Guidelines, 2015. Collection method: clinical testing. Allele origin: germline.
Comment: The TTN c.92569_92570delAT variant is predicted to result in a frameshift and premature protein termination (p.Ile30857Tyrfs*2). To our knowledge, this variant has not been reported in the literature or in a large population database, indicating this variant is rare. This variant is located in exon 339 of the TTN metatranscript in the A-band region of the protein in which truncating TTN variants have been found more frequently in dilated cardiomyopathy patients than in controls (Herman et al. 2012. PubMed ID: 22335739). RNAseq studies from heart tissue indicate this exon is commonly included in TTN mRNA transcripts (PSI of 98%-100%, Roberts et al. 2015. PMID: 25589632). TTN truncating variants are reported in 1-2% of presumably healthy individuals, but occur more frequently in exons with low PSI values (Roberts et al. 2015. PMID: 25589632; Herman et al. 2012. PMID: 22335739). Many cases of severe recessive TTN-related myopathies in which the individual is compound heterozygous for two loss of function variants in TTN have also been reported (See Ceyhan-Birsoy et al. 2013. PMID: 23975875; Chauveau et al. 2014. PMID: 24105469; Evilä et al. 2016. PMID: 27796757; Ge et al. 2019. PubMed ID: 31053406; Oates et al. 2018. PubMed ID: 29691892; Bryen et al. 2020. PubMed ID: 31660661). In summary, the c.92569_92570delAT variant is interpreted as pathogenic. Of note, this variant is considered pathogenic for increased risk of TTN-related cardiac disorders, and also for autosomal recessive severe congenital titinopathies when in the presence of an additional loss-of-function TTN variant.

Clinical Genetics DNA and cytogenetics Diagnostics Lab, Erasmus MC, Erasmus Medical Center
Classification: Likely pathogenic. Review status: no assertion criteria provided. Collection method: clinical testing. Allele origin: germline. Affected: yes. Study: VKGL Data-share Consensus. Not counted in ClinVar's aggregate classification.

Diagnostic Laboratory, Department of Genetics, University Medical Center Groningen
Classification: Pathogenic. Review status: no assertion criteria provided. Collection method: clinical testing. Allele origin: germline. Affected: yes. Study: VKGL Data-share Consensus. Not counted in ClinVar's aggregate classification.

Literature cited by the submitters: PubMed 25589632 (cited by Labcorp Genetics (formerly Invitae), Labcorp); PubMed 23975875 (cited by Labcorp Genetics (formerly Invitae), Labcorp).

NM_001267550.2(TTN):c.92569_92570del (p.Ile30857fs)

Genes: TTN (titin; minus strand), TTN-AS1 (TTN antisense RNA 1; plus strand). Cytogenetic location: 2q31.2.
Variant type: Microsatellite.
Coding change: c.92569_92570del on transcript NM_001267550.2 (MANE Select); coding-DNA positions 92569 to 92570, 2 bases deleted (AT; older notation c.92569_92570delAT).
Protein change: p.Ile30857fs; shifts the reading frame from isoleucine 30857.
Molecular consequence: frameshift variant.
Genome position (GRCh38, 1-based): chr2:178,549,056-178,549,057, AT deleted on the plus strand (AT on the coding strand, the reverse complement: TTN is on the minus strand); deleting any 2 consecutive bases within chr2:178,549,056-178,549,060 gives the same sequence; the c. name uses the placement nearest the transcript's 3' end. VCF-style (leftmost placement, unchanged base first): chr2-178549055-AAT-A. GRCh37 (hg19) VCF-style: chr2-179413782-AAT-A.
Other names: c.87646_87647del, p.Ile29216fs (NM_001256850.1); c.65374_65375del, p.Ile21792fs (NM_003319.4); c.84865_84866del, p.Ile28289fs (NM_133378.4); c.65749_65750del, p.Ile21917fs (NM_133432.3); c.65950_65951del, p.Ile21984fs (NM_133437.4); c.92569_92570delAT (NM_001267550.2); short protein forms I21792fs, I21917fs, I21984fs, I28289fs, I29216fs, I30857fs.
Identifiers: ClinVar variation 1174613 (VCV001174613.8), dbSNP rs2154147864, ClinGen allele CA2580614448.